The following is an entry in ClinVar:

ClinVar aggregate classification (germline): Uncertain significance (1 of 4 stars; one submission).

Conditions:
Wiedemann-Steiner syndrome (WDSTS). Also called: Growth deficiency and mental retardation with facial dysmorphism. Identifiers: Orphanet 319182, MedGen C1854630, MONDO:0011518, OMIM 605130.

gnomAD v4.1: 1 of 1,613,740 alleles (0.000062%); highest among the groups gnomAD compares: Admixed American, 0.0017%; no homozygotes.

Submission:

Institute for Clinical Genetics, University Hospital TU Dresden, University Hospital TU Dresden
Classification: Uncertain significance for Wiedemann-Steiner syndrome. Last evaluated: 2024-03-27. Review status: criteria provided, single submitter. Criteria: ACMG Guidelines, 2015. Collection method: clinical testing. Allele origin: germline.
Comment: PM2_SUP, PP2, BP4

NM_001197104.2(KMT2A):c.5710G>A (p.Val1904Ile)

Gene: KMT2A (lysine methyltransferase 2A; plus strand). Cytogenetic location: 11q23.3.
Variant type: single nucleotide variant.
Coding change: c.5710G>A on transcript NM_001197104.2 (MANE Select); coding-DNA position 5710, G replaced by A.
Protein change: p.Val1904Ile; replaces valine 1904 with isoleucine.
Molecular consequence: missense variant.
Genome position (GRCh38, 1-based): chr11:118,497,981, G>A. VCF-style: chr11-118497981-G-A. GRCh37 (hg19) VCF-style: chr11-118368696-G-A.
Other names: c.5800G>A, p.Val1934Ile (NM_001412597.1); c.5701G>A, p.Val1901Ile (NM_005933.4); short protein forms V1901I, V1904I, V1934I.
Identifiers: ClinVar variation 4850082 (VCV004850082.1).